The following is an entry in ClinVar:

NM_033004.4(NLRP1):c.4172C>G (p.Ala1391Gly)

Gene: NLRP1 (NLR family pyrin domain containing 1; minus strand). Cytogenetic location: 17p13.2.
Variant type: single nucleotide variant.
Coding change: c.4172C>G on transcript NM_033004.4 (MANE Select); coding-DNA position 4172, C replaced by G.
Protein change: p.Ala1391Gly; replaces alanine 1391 with glycine.
Molecular consequence: missense variant. On other transcripts: intron variant (1).
Genome position (GRCh38, 1-based): chr17:5,515,004, G>C on the plus strand (C>G on the coding strand, the complement: NLRP1 is on the minus strand). VCF-style: chr17-5515004-G-C. GRCh37 (hg19) VCF-style: chr17-5418324-G-C.
Other names: c.4040C>G, p.Ala1347Gly (NM_014922.5); c.4082C>G, p.Ala1361Gly (NM_033006.4); c.3950C>G, p.Ala1317Gly (NM_033007.4); c.4069+2742C>G (NM_001033053.3); short protein forms A1361G, A1347G, A1391G, A1317G.
Identifiers: ClinVar variation 1408711 (VCV001408711.8), dbSNP rs539985574, ClinGen allele CA8326613.

ClinVar aggregate classification (germline): Uncertain significance (1 of 4 stars; one submission).

Allele frequency attached by ClinVar (database versions not stated): gnomAD 0.00001; gnomAD exomes below 0.00001 and 0.00001; ExAC 0.00001; TOPMed 0.00001; 1000 Genomes Project 30x 0.00016; 1000 Genomes Project 0.00020.
gnomAD v4.1: 5 of 1,614,160 alleles (0.00031%); highest among the groups gnomAD compares: Admixed American, 0.0067%; no homozygotes.

Submission:

Labcorp Genetics (formerly Invitae), Labcorp
Classification: Uncertain significance. Last evaluated: 2021-02-13. Review status: criteria provided, single submitter. Criteria: Invitae Variant Classification Sherloc (09022015). Collection method: clinical testing. Allele origin: germline.
Comment: This sequence change replaces alanine with glycine at codon 1391 of the NLRP1 protein (p.Ala1391Gly). The alanine residue is moderately conserved and there is a small physicochemical difference between alanine and glycine. This variant is present in population databases (rs539985574, ExAC 0.009%). This variant has not been reported in the literature in individuals with NLRP1-related conditions. Algorithms developed to predict the effect of missense changes on protein structure and function are either unavailable or do not agree on the potential impact of this missense change (SIFT: "Deleterious"; PolyPhen-2: "Probably Damaging"; Align-GVGD: "Class C0"). In summary, the available evidence is currently insufficient to determine the role of this variant in disease. Therefore, it has been classified as a Variant of Uncertain Significance.